The following is an entry in ClinVar:

NM_001283009.2(RTEL1):c.3342C>A (p.His1114Gln)

Genes: RTEL1 (regulator of telomere elongation helicase 1; plus strand), RTEL1-TNFRSF6B (RTEL1-TNFRSF6B readthrough (NMD candidate); plus strand). Cytogenetic location: 20q13.33.
Variant type: single nucleotide variant.
Coding change: c.3342C>A on transcript NM_001283009.2 (MANE Select); coding-DNA position 3342, C replaced by A.
Protein change: p.His1114Gln; replaces histidine 1114 with glutamine.
Molecular consequence: missense variant. On other transcripts: non-coding transcript variant (1).
Genome position (GRCh38, 1-based): chr20:63,694,973, C>A. VCF-style: chr20-63694973-C-A. GRCh37 (hg19) VCF-style: chr20-62326326-C-A.
Other names: c.2673C>A, p.His891Gln (NM_001283010.1); c.3342C>A, p.His1114Gln (NM_016434.4); c.3414C>A, p.His1138Gln (NM_032957.5); c.3414C>A (NM_032957.4); short protein forms H1114Q, H1138Q, H891Q.
Identifiers: ClinVar variation 2151014 (VCV002151014.5), dbSNP rs779506307, ClinGen allele CA9965959.

ClinVar aggregate classification (germline): Conflicting classifications of pathogenicity. Review status: criteria provided, conflicting classifications (1 of 4 stars). 3 submissions from 3 submitters: Uncertain significance (2); Likely benign (1). Last evaluated 2025-12-08.

Conditions:
Inborn genetic diseases. Identifiers: MedGen C0950123, MeSH D030342.
RTEL1-related disorder. Also called: RTEL1-related condition; RTEL1-related disorders.
Dyskeratosis congenita, autosomal recessive 5 (DKCB5). Identifiers: MedGen C3554656, MONDO:0014076, OMIM 615190.
Pulmonary fibrosis and/or bone marrow failure, Telomere-related, 3. Also called: PULMONARY FIBROSIS AND/OR BONE MARROW FAILURE SYNDROME, TELOMERE-RELATED, 3. Identifiers: Orphanet 2032, MedGen C4225346, MONDO:0014613, OMIM 616373.

Allele frequency attached by ClinVar (database versions not stated): gnomAD 0.00001; ExAC 0.00002.
gnomAD v4.1: 69 of 1,612,178 alleles (0.0043%); highest among the groups gnomAD compares: Non-Finnish European, 0.0056%; no homozygotes.

Submissions (3):

Labcorp Genetics (formerly Invitae), Labcorp
Classification: Uncertain significance for Dyskeratosis congenita, autosomal recessive 5; Pulmonary fibrosis and/or bone marrow failure, Telomere-related, 3. Last evaluated: 2025-12-08. Review status: criteria provided, single submitter. Criteria: Invitae Variant Classification Sherloc (09022015). Collection method: clinical testing. Allele origin: germline.
Comment: This sequence change replaces histidine, which is basic and polar, with glutamine, which is neutral and polar, at codon 1114 of the RTEL1 protein (p.His1114Gln). This variant is present in population databases (rs779506307, gnomAD 0.004%). This variant has not been reported in the literature in individuals affected with RTEL1-related conditions. ClinVar contains an entry for this variant (Variation ID: 2151014). An algorithm developed to predict the effect of missense changes on protein structure and function outputs the following: PolyPhen-2: "Benign". The glutamine amino acid residue is found in multiple mammalian species, which suggests that this missense change does not adversely affect protein function. In summary, the available evidence is currently insufficient to determine the role of this variant in disease. Therefore, it has been classified as a Variant of Uncertain Significance.

Ambry Genetics
Classification: Likely benign for Inborn genetic diseases. Last evaluated: 2024-03-25. Review status: criteria provided, single submitter. Criteria: Ambry Variant Classification Scheme 2023. Collection method: clinical testing. Allele origin: germline.

PreventionGenetics, part of Exact Sciences
Classification: Uncertain significance for RTEL1-related condition. Last evaluated: 2023-04-05. Review status: criteria provided, single submitter. Criteria: ACMG Guidelines, 2015. Collection method: clinical testing. Allele origin: germline.
Comment: The RTEL1 c.3414C>A variant is predicted to result in the amino acid substitution p.His1138Gln. To our knowledge, this variant has not been reported in the literature. This variant is reported in 0.0041% of alleles in individuals of European (Non-Finnish) descent in gnomAD. At this time, the clinical significance of this variant is uncertain due to the absence of conclusive functional and genetic evidence.